The following is an entry in ClinVar:

ClinVar aggregate classification (germline): Likely benign. Review status: criteria provided, multiple submitters, no conflicts (2 of 4 stars). 4 submissions from 4 submitters: Likely benign (4). Last evaluated 2025-05-21.

Allele frequency attached by ClinVar (database versions not stated): gnomAD exomes 0.00024 and 0.00078; gnomAD 0.00049 and 0.00051; TOPMed 0.00049.

Submissions (4):

Labcorp Genetics (formerly Invitae), Labcorp
Classification: Likely benign. Last evaluated: 2025-05-21. Review status: criteria provided, single submitter. Criteria: Invitae Variant Classification Sherloc (09022015). Collection method: clinical testing. Allele origin: germline.

CeGaT Center for Human Genetics Tuebingen
Classification: Likely benign. Last evaluated: 2025-01-01. Review status: criteria provided, single submitter. Criteria: CeGaT Center For Human Genetics Tuebingen Variant Classification Criteria Version 2. Collection method: clinical testing. Allele origin: germline. Affected: yes. Observed: 2 variant alleles.
Comment: OTOGL: BS2

GeneDx
Classification: Likely benign. Last evaluated: 2018-01-05. Review status: criteria provided, single submitter. Criteria: GeneDx Variant Classification (06012015). Collection method: clinical testing. Allele origin: germline. Affected: yes.
Comment: This variant is considered likely benign or benign based on one or more of the following criteria: it is a conservative change, it occurs at a poorly conserved position in the protein, it is predicted to be benign by multiple in silico algorithms, and/or has population frequency not consistent with disease.

Laboratory for Molecular Medicine, Mass General Brigham Personalized Medicine
Classification: Likely benign. Last evaluated: 2015-08-27. Review status: criteria provided, single submitter. Criteria: LMM Criteria. Collection method: clinical testing. Allele origin: germline. Observed: 1 variant allele.
Comment: c.92+7A>G variant in OTOGL: This variant is not expected to have clinical signif icance because it is not located within the splice consensus sequence.

NM_001378609.3(OTOGL):c.119+7A>G

Gene: OTOGL (otogelin like; plus strand). Cytogenetic location: 12q21.31.
Variant type: single nucleotide variant.
Coding change: c.119+7A>G on transcript NM_001378609.3 (MANE Select); 7 bases into the intron after coding-DNA position 119, A replaced by G.
Molecular consequence: intron variant.
Genome position (GRCh38, 1-based): chr12:80,210,893, A>G. VCF-style: chr12-80210893-A-G. GRCh37 (hg19) VCF-style: chr12-80604673-A-G.
Other names: c.119+7A>G (NM_001368062.3, NM_001378610.3, NM_173591.7).
Identifiers: ClinVar variation 227827 (VCV000227827.34), dbSNP rs753923439, ClinGen allele CA10576927.